The following is an entry in ClinVar:

NM_005529.7(HSPG2):c.1818G>T (p.Lys606Asn)

Gene: HSPG2 (heparan sulfate proteoglycan 2; minus strand). Cytogenetic location: 1p36.12.
Variant type: single nucleotide variant.
Coding change: c.1818G>T on transcript NM_005529.7 (MANE Select); coding-DNA position 1818, G replaced by T.
Protein change: p.Lys606Asn; replaces lysine 606 with asparagine.
Molecular consequence: missense variant.
Genome position (GRCh38, 1-based): chr1:21,881,339, C>A on the plus strand (G>T on the coding strand, the complement: HSPG2 is on the minus strand). VCF-style: chr1-21881339-C-A. GRCh37 (hg19) VCF-style: chr1-22207832-C-A.
Other names: c.1821G>T, p.Lys607Asn (NM_001291860.2); short protein forms K606N, K607N.
Identifiers: ClinVar variation 1950329 (VCV001950329.5), dbSNP rs1340989694, ClinGen allele CA338966194.

ClinVar aggregate classification (germline): Uncertain significance (1 of 4 stars; one submission).

Allele frequency attached by ClinVar (database versions not stated): gnomAD 0.00001.
gnomAD v4.1: 3 of 1,613,476 alleles (0.00019%); highest among the groups gnomAD compares: Admixed American, 0.0017%; no homozygotes.

Submission:

Labcorp Genetics (formerly Invitae), Labcorp
Classification: Uncertain significance. Last evaluated: 2024-06-12. Review status: criteria provided, single submitter. Criteria: Invitae Variant Classification Sherloc (09022015). Collection method: clinical testing. Allele origin: germline.
Comment: This sequence change replaces lysine, which is basic and polar, with asparagine, which is neutral and polar, at codon 606 of the HSPG2 protein (p.Lys606Asn). This variant also falls at the last nucleotide of exon 14, which is part of the consensus splice site for this exon. This variant is present in population databases (no rsID available, gnomAD 0.004%). This variant has not been reported in the literature in individuals affected with HSPG2-related conditions. ClinVar contains an entry for this variant (Variation ID: 1950329). An algorithm developed to predict the effect of missense changes on protein structure and function (PolyPhen-2) suggests that this variant is likely to be disruptive. Variants that disrupt the consensus splice site are a relatively common cause of aberrant splicing (PMID: 17576681, 9536098). In summary, the available evidence is currently insufficient to determine the role of this variant in disease. Therefore, it has been classified as a Variant of Uncertain Significance.

Literature cited by the submitters: PubMed 17576681; PubMed 9536098.